The following is an entry in ClinVar:

NM_201384.3(PLEC):c.5222G>A (p.Arg1741His)

Gene: PLEC (plectin; minus strand). Cytogenetic location: 8q24.3.
Variant type: single nucleotide variant.
Coding change: c.5222G>A on transcript NM_201384.3 (MANE Select); coding-DNA position 5222, G replaced by A.
Protein change: p.Arg1741His; replaces arginine 1741 with histidine.
Molecular consequence: missense variant.
Genome position (GRCh38, 1-based): chr8:143,924,707, C>T on the plus strand (G>A on the coding strand, the complement: PLEC is on the minus strand). VCF-style: chr8-143924707-C-T. GRCh37 (hg19) VCF-style: chr8-144998875-C-T.
Other names: c.5303G>A, p.Arg1768His (NM_000445.5); c.5180G>A, p.Arg1727His (NM_201378.4); c.5156G>A, p.Arg1719His (NM_201379.3); c.5633G>A, p.Arg1878His (NM_201380.4); c.5126G>A, p.Arg1709His (NM_201381.3); c.5222G>A, p.Arg1741His (NM_201382.4); c.5234G>A, p.Arg1745His (NM_201383.3); short protein forms R1709H, R1727H, R1741H, R1745H, R1768H, R1719H, R1878H.
Identifiers: ClinVar variation 592798 (VCV000592798.14), dbSNP rs782125424, ClinGen allele CA187616140.

ClinVar aggregate classification (germline): Uncertain significance. Review status: criteria provided, multiple submitters, no conflicts (2 of 4 stars). 4 submissions from 4 submitters: Uncertain significance (4). Last evaluated 2026-06-17.

Conditions:
PLEC-related disorder. Also called: PLEC-related disorders; PLEC-related condition.
Epidermolysis bullosa simplex 5C, with pyloric atresia (EBS5C). Also called: PLEC-Related Epidermolysis Bullosa with Pyloric Atresia; PLEC1-Related Epidermolysis Bullosa with Pyloric Atresia; Epidermolysis bullosa simplex with pyloric atresia. Identifiers: Orphanet 158684, MedGen C2677349, MONDO:0012807, OMIM 612138.
Epidermolysis bullosa simplex, Ogna type (EBS5A). Also called: Pidermolysis bullosa simplex 5A, Ogna type; EPIDERMOLYSIS BULLOSA SIMPLEX 5A, OGNA TYPE. Identifiers: Orphanet 79401, MedGen C0432317, MONDO:0007555, OMIM 131950.
Epidermolysis bullosa simplex 5B, with muscular dystrophy (EBS5B). Also called: Epidermolysis bullosa simplex with muscular dystrophy; EPIDERMOLYSIS BULLOSA SIMPLEX AND LIMB-GIRDLE MUSCULAR DYSTROPHY. Identifiers: Orphanet 257, MedGen C2931072, MONDO:0009181, OMIM 226670.
Epidermolysis bullosa simplex with nail dystrophy (EBS5D). Identifiers: MedGen C4225309, MONDO:0014661, OMIM 616487.
Autosomal recessive limb-girdle muscular dystrophy type 2Q (LGMDR17). Also called: MUSCULAR DYSTROPHY, LIMB-GIRDLE, AUTOSOMAL RECESSIVE 17. Identifiers: Orphanet 254361, MedGen C3150989, MONDO:0013390, OMIM 613723.

Allele frequency attached by ClinVar (database versions not stated): gnomAD exomes 0.00005; gnomAD 0.00021 and 0.00024; TOPMed 0.00025.
gnomAD v4.1: 102 of 1,533,708 alleles (0.0067%); highest among the groups gnomAD compares: African/African-American, 0.071%; no homozygotes.

Submissions (4):

PreventionGenetics, part of Exact Sciences
Classification: Uncertain significance for PLEC-related condition. Last evaluated: 2026-06-17. Review status: criteria provided, single submitter. Criteria: ACMG Guidelines, 2015. Collection method: clinical testing. Allele origin: germline.
Comment: The PLEC c.5303G>A variant is predicted to result in the amino acid substitution p.Arg1768His. To our knowledge, this variant has not been reported in the literature. This variant is reported in 0.10% of alleles in individuals of African descent in gnomAD. Although we suspect that this variant may be benign, at this time, the clinical significance of this variant is uncertain due to the absence of conclusive functional and genetic evidence.

Labcorp Genetics (formerly Invitae), Labcorp
Classification: Uncertain significance for Autosomal recessive limb-girdle muscular dystrophy type 2Q; Epidermolysis bullosa simplex, Ogna type; Epidermolysis bullosa simplex with nail dystrophy; Epidermolysis bullosa simplex 5C, with pyloric atresia; Epidermolysis bullosa simplex 5B, with muscular dystrophy. Last evaluated: 2025-10-02. Review status: criteria provided, single submitter. Criteria: Invitae Variant Classification Sherloc (09022015). Collection method: clinical testing. Allele origin: germline.
Comment: This sequence change replaces arginine, which is basic and polar, with histidine, which is basic and polar, at codon 1768 of the PLEC protein (p.Arg1768His). This variant is present in population databases (rs782125424, gnomAD 0.1%). This variant has not been reported in the literature in individuals affected with PLEC-related conditions. ClinVar contains an entry for this variant (Variation ID: 592798). An algorithm developed to predict the effect of missense changes on protein structure and function outputs the following: PolyPhen-2: "Not Available". The histidine amino acid residue is found in multiple mammalian species, which suggests that this missense change does not adversely affect protein function. In summary, the available evidence is currently insufficient to determine the role of this variant in disease. Therefore, it has been classified as a Variant of Uncertain Significance.

Revvity Omics, Revvity
Classification: Uncertain significance. Last evaluated: 2021-03-18. Review status: criteria provided, single submitter. Criteria: ACMG Guidelines, 2015. Collection method: clinical testing. Allele origin: germline.

Eurofins Ntd Llc (ga)
Classification: Uncertain significance. Last evaluated: 2017-08-22. Review status: criteria provided, single submitter. Criteria: EGL Classification Definitions 2015. Collection method: clinical testing. Allele origin: germline. Observed: 2 variant alleles, 2 heterozygotes.